The following is an entry in ClinVar:

NM_000051.4(ATM):c.3866A>G (p.Lys1289Arg)

Gene: ATM (ATM serine/threonine kinase; plus strand). Cytogenetic location: 11q22.3.
Variant type: single nucleotide variant.
Coding change: c.3866A>G on transcript NM_000051.4 (MANE Select); coding-DNA position 3866, A replaced by G.
Protein change: p.Lys1289Arg; replaces lysine 1289 with arginine.
Molecular consequence: missense variant.
Genome position (GRCh38, 1-based): chr11:108,284,346, A>G. VCF-style: chr11-108284346-A-G. GRCh37 (hg19) VCF-style: chr11-108155073-A-G.
Other names: c.3866A>G, p.Lys1289Arg (NM_001351834.2); short protein forms K1289R.
Identifiers: ClinVar variation 233775 (VCV000233775.21), dbSNP rs876660633, ClinGen allele CA10579126.

ClinVar aggregate classification (germline): Uncertain significance. Review status: criteria provided, multiple submitters, no conflicts (2 of 4 stars). 4 submissions from 4 submitters: Uncertain significance (3). 1 of the submissions does not count toward it. Last evaluated 2026-01-26.

Conditions:
Ataxia-telangiectasia syndrome (AT). Also called: Ataxia telangiectasia (A-T); LOUIS-BAR SYNDROME; Cerebello-oculocutaneous telangiectasia; Immunodeficiency with ataxia telangiectasia; ATAXIA-TELANGIECTASIA, COMPLEMENTATION GROUP A; ATAXIA-TELANGIECTASIA, FRESNO VARIANT. Identifiers: Orphanet 100, MedGen C0004135, MONDO:0008840, OMIM 208900.
Hereditary cancer-predisposing syndrome. Also called: Tumor predisposition; Hereditary Cancer Syndrome; Hereditary neoplastic syndrome; Neoplastic Syndromes, Hereditary. Identifiers: Orphanet 140162, MedGen C0027672, MeSH D009386, MONDO:0015356.

Allele frequency attached by ClinVar (database versions not stated): TOPMed 0.00001.

Submissions (4):

Labcorp Genetics (formerly Invitae), Labcorp
Classification: Uncertain significance for Ataxia-telangiectasia syndrome. Last evaluated: 2026-01-26. Review status: criteria provided, single submitter. Criteria: Invitae Variant Classification Sherloc (09022015). Collection method: clinical testing. Allele origin: germline.
Comment: This sequence change replaces lysine, which is basic and polar, with arginine, which is basic and polar, at codon 1289 of the ATM protein (p.Lys1289Arg). This variant is not present in population databases (gnomAD no frequency). This variant has not been reported in the literature in individuals affected with ATM-related conditions. ClinVar contains an entry for this variant (Variation ID: 233775). Invitae Evidence Modeling of protein sequence and biophysical properties (such as structural, functional, and spatial information, amino acid conservation, physicochemical variation, residue mobility, and thermodynamic stability) indicates that this missense variant is not expected to disrupt ATM protein function with a negative predictive value of 95%. In summary, the available evidence is currently insufficient to determine the role of this variant in disease. Therefore, it has been classified as a Variant of Uncertain Significance.

Ambry Genetics
Classification: Uncertain significance for Hereditary cancer-predisposing syndrome. Last evaluated: 2025-03-26. Review status: criteria provided, single submitter. Criteria: Ambry Variant Classification Scheme 2023. Collection method: clinical testing. Allele origin: germline.
Comment: The p.K1289R variant (also known as c.3866A>G), located in coding exon 25 of the ATM gene, results from an A to G substitution at nucleotide position 3866. The lysine at codon 1289 is replaced by arginine, an amino acid with highly similar properties. This variant was detected in 1/1054 Hispanic BRCA1/2-negative probands with hereditary breast cancer and 0/1189 controls (Weitzel JN et al. Cancer, 2019 Aug;125:2829-2836). This amino acid position is highly conserved in available vertebrate species. In addition, this alteration is predicted to be tolerated by in silico analysis. Based on the available evidence, the clinical significance of this variant remains unclear.

Color Diagnostics, LLC DBA Color Health
Classification: Uncertain significance for Hereditary cancer-predisposing syndrome. Last evaluated: 2019-06-05. Review status: criteria provided, single submitter. Criteria: ACMG Guidelines, 2015. Collection method: clinical testing. Allele origin: germline.

Natera, Inc.
Classification: Uncertain significance for Ataxia-telangiectasia. Last evaluated: 2020-07-20. Review status: no assertion criteria provided. Collection method: clinical testing. Allele origin: germline. Not counted in ClinVar's aggregate classification.

Literature cited by the submitters: PubMed 31206626 (cited by Ambry Genetics).